The following is an entry in ClinVar:

NM_032578.4(MYPN):c.217G>C (p.Asp73His)

Gene: MYPN (myopalladin; plus strand). Cytogenetic location: 10q21.3.
Variant type: single nucleotide variant.
Coding change: c.217G>C on transcript NM_032578.4 (MANE Select); coding-DNA position 217, G replaced by C.
Protein change: p.Asp73His; replaces aspartic acid 73 with histidine.
Molecular consequence: missense variant. On other transcripts: 5 prime UTR variant (1), non-coding transcript variant (1).
Genome position (GRCh38, 1-based): chr10:68,121,655, G>C. VCF-style: chr10-68121655-G-C. GRCh37 (hg19) VCF-style: chr10-69881412-G-C.
Other names: c.217G>C, p.Asp73His (NM_001256267.2); c.-906G>C (NM_001256268.2); short protein forms D73H.
Identifiers: ClinVar variation 838626 (VCV000838626.11), dbSNP rs2042244267, ClinGen allele CA377103855.

ClinVar aggregate classification (germline): Uncertain significance. Review status: criteria provided, multiple submitters, no conflicts (2 of 4 stars). 2 submissions from 2 submitters: Uncertain significance (2). Last evaluated 2023-08-10.

Conditions:
MYPN-related myopathy (CMYO24). Also called: Nemaline myopathy 11, autosomal recessive. Identifiers: MedGen C4479186, MONDO:0015023, OMIM 617336.
Dilated cardiomyopathy 1KK (CMD1KK). Identifiers: Orphanet 154, Orphanet 75249, MedGen C3714995, MONDO:0014100, OMIM 615248.

Submissions (2):

Labcorp Genetics (formerly Invitae), Labcorp
Classification: Uncertain significance for Dilated cardiomyopathy 1KK. Last evaluated: 2023-08-10. Review status: criteria provided, single submitter. Criteria: Invitae Variant Classification Sherloc (09022015). Collection method: clinical testing. Allele origin: germline.
Comment: This sequence change replaces aspartic acid, which is acidic and polar, with histidine, which is basic and polar, at codon 73 of the MYPN protein (p.Asp73His). This variant is not present in population databases (gnomAD no frequency). This variant has not been reported in the literature in individuals affected with MYPN-related conditions. ClinVar contains an entry for this variant (Variation ID: 838626). An algorithm developed to predict the effect of missense changes on protein structure and function (PolyPhen-2) suggests that this variant is likely to be tolerated. In summary, the available evidence is currently insufficient to determine the role of this variant in disease. Therefore, it has been classified as a Variant of Uncertain Significance.

Fulgent Genetics
Classification: Uncertain significance for Dilated cardiomyopathy 1KK; MYPN-related myopathy. Last evaluated: 2021-10-12. Review status: criteria provided, single submitter. Criteria: ACMG Guidelines, 2015. Collection method: clinical testing. Allele origin: unknown.